The following is an entry in ClinVar:

ClinVar aggregate classification (germline): Pathogenic. Review status: reviewed by expert panel (3 of 4 stars). 8 submissions from 8 submitters: Pathogenic (1). 7 of the submissions do not count toward it. Last evaluated 2026-02-10.

Conditions:
Gnathodiaphyseal dysplasia (GDD). Also called: OSTEOGENESIS IMPERFECTA WITH UNUSUAL SKELETAL LESIONS; GNATHODIAPHYSEAL SCLEROSIS. Identifiers: Orphanet 53697, MedGen C1833736, MONDO:0008151, OMIM 166260.
Autosomal recessive limb-girdle muscular dystrophy type 2L (LGMDR12). Also called: Limb-girdle muscular dystrophy, type 2L; MUSCULAR DYSTROPHY, LIMB-GIRDLE, AUTOSOMAL RECESSIVE 12; Limb-Girdle Muscular Dystrophy R12 Anoctamin-5-Related (LGMD-R12). Identifiers: Orphanet 206549, MedGen C1969785, MONDO:0012652, OMIM 611307.
ANO5-related disorder. Also called: ANO5-related disorders; ANO5-related condition. Identifiers: MedGen CN239193.
Autosomal recessive limb-girdle muscular dystrophy. Identifiers: Orphanet 102015, MedGen C2931907, MONDO:0015152.

Allele frequency attached by ClinVar (database versions not stated): gnomAD exomes 0.00006 and 0.00016; TOPMed 0.00001; gnomAD 0.00010; ExAC 0.00022.
gnomAD v4.1: 96 of 1,612,050 alleles (0.006%); highest among the groups gnomAD compares: Non-Finnish European, 0.0048%; no homozygotes.

Submissions (8):

ClinGen Limb Girdle Muscular Dystrophy Variant Curation Expert Panel, ClinGen
Classification: Pathogenic for Autosomal recessive limb-girdle muscular dystrophy. Last evaluated: 2026-02-10. Review status: reviewed by expert panel. Criteria: ClinGen LGMD VCEP ACMG Specifications ANO5 V2.0.0. Collection method: curation. Allele origin: germline. Inheritance: Autosomal recessive inheritance.
Comment: The NM_213599.3 c.242A>G variant in ANO5 is a missense variant predicted to cause substitution of aspartic acid with glycine at codon 81, p.(Asp81Gly). This variant has been detected in at least 13 unrelated individuals with features consistent with LGMD or anoctaminopathy (PMID: 30564623, 29970176, 23047743, 22980763, 31395899, 22402862; ClinVar SCV001574736.5, SCV000582412.4 internal data communication), including in unconfirmed phase with a pathogenic variant in six unrelated cases (c.989dup p.(Leu330PhefsTer6) x2, 1.0 pt, PMID: 30564623, LOVD Individual #00220727, ClinVar SCV001574736.5 internal data communication; c.191dup p.(Asn64LysfsTer15) x2, 1.0 pt, PMID: 30564623, LOVD Individual #00221127, ClinVar SCV000582412.4 internal data communication; c.2272C>T p.(Arg758Cys) x2, 1.0 pt, PMID: 31395899, 22402862). It has also been confirmed in trans with a pathogenic variant in one patient (c.191dup p.(Asn64LysfsTer15), 1.0 pt, ClinVar SCV001574736.5 internal data communication) (PM3_Very Strong). At least one patient with this variant displayed progressive limb girdle muscle weakness (PP4). Two affected family members of a proband with this variant and a second presumed diagnostic ANO5 allele were shown to have the same two variants, but phase was not confirmed (PMID: 22980763; PP1 not met). The filtering allele frequency for this variant is 0.00006 in gnomAD v4.1.0 (the upper bound of the 95% confidence interval of 57/1178734 European (non-Finnish) alleles), which is lower than the VCEP threshold of 0.0001 for PM2_Supporting, meeting this criterion (PM2_Supporting). The computational predictor REVEL gives a score of 0.851, which exceeds the threshold of ≥0.70, evidence that correlates with impact to ANO5 function (PP3). This variant was reported in a heterozygous state in an individual with clinically suspected LGMD who was apparently homozygous for the pathogenic variant c.191dup p.(Asn64LysfsTer15), suggesting the variants occurred in cis on one allele (PMID: 30564623, LOVD Individual #00220749; BP2). However, these variants are predicted on different haplotypes in gnomAD v2.1.1, suggesting it may not be a common complex allele, and this evidence is not considered contradictory with the final classification. In summary, this variant meets the criteria to be classified as Pathogenic for autosomal recessive limb girdle muscular dystrophy based on the ACMG/AMP criteria applied, as specified by the ClinGen LGMD VCEP (LGMD VCEP specifications version 2.0.0; 02/10/2026): PM3_Very Strong, PP4, PM2_Supporting, PP3, BP2.

GeneDx
Classification: Likely pathogenic. Last evaluated: 2026-09-17. Review status: criteria provided, single submitter. Criteria: GeneDx Variant Classification Process June 2021. Collection method: clinical testing. Allele origin: germline. Not counted in ClinVar's aggregate classification.
Comment: In silico analysis supports that this missense variant has a deleterious effect on protein structure/function; This variant is associated with the following publications: (PMID: 31589614, 30564623, 31980526, 35563815, 38783566, 29970176, 22402862, 22980763, 32819793, 31395899)

Labcorp Genetics (formerly Invitae), Labcorp
Classification: Pathogenic for Autosomal recessive limb-girdle muscular dystrophy type 2L; Gnathodiaphyseal dysplasia. Last evaluated: 2025-10-02. Review status: criteria provided, single submitter. Criteria: Invitae Variant Classification Sherloc (09022015). Collection method: clinical testing. Allele origin: germline. Not counted in ClinVar's aggregate classification.
Comment: This sequence change replaces aspartic acid, which is acidic and polar, with glycine, which is neutral and non-polar, at codon 81 of the ANO5 protein (p.Asp81Gly). This variant is present in population databases (rs199501657, gnomAD 0.08%). This missense change has been observed in individuals with autosomal recessive limb-girdle muscular dystrophy (PMID: 22402862, 22980763, 31395899). ClinVar contains an entry for this variant (Variation ID: 96679). Invitae Evidence Modeling of protein sequence and biophysical properties (such as structural, functional, and spatial information, amino acid conservation, physicochemical variation, residue mobility, and thermodynamic stability) indicates that this missense variant is expected to disrupt ANO5 protein function with a positive predictive value of 95%. For these reasons, this variant has been classified as Pathogenic.

Revvity Omics, Revvity
Classification: Pathogenic. Last evaluated: 2025-01-31. Review status: criteria provided, single submitter. Criteria: ACMG Guidelines, 2015. Collection method: clinical testing. Allele origin: germline. Not counted in ClinVar's aggregate classification.

Women's Health and Genetics/Laboratory Corporation of America, LabCorp
Classification: Pathogenic for Autosomal recessive limb-girdle muscular dystrophy. Last evaluated: 2024-07-10. Review status: criteria provided, single submitter. Criteria: LabCorp Variant Classification Summary - May 2015. Collection method: clinical testing. Allele origin: germline. Not counted in ClinVar's aggregate classification.
Comment: Variant summary: ANO5 c.242A>G (p.Asp81Gly) results in a non-conservative amino acid change located in the Anoctamin, dimerisation domain (IPR032394) of the encoded protein sequence. Five of five in-silico tools predict a damaging effect of the variant on protein function. The variant allele was found at a frequency of 0.00016 in 250244 control chromosomes (gnomAD). This frequency is not significantly higher than estimated for a pathogenic variant in ANO5 causing Limb-Girdle Muscular Dystrophy, Autosomal Recessive (0.00016 vs 0.0047), allowing no conclusion about variant significance. c.242A>G has been reported in the literature in multiple individuals affected with Limb-Girdle Muscular Dystrophy, Autosomal Recessive (e.g. Penttila_2012, Sarkozy_2012, Jarmula_2019). These data indicate that the variant is very likely to be associated with disease. The following publications have been ascertained in the context of this evaluation (PMID: 22402862, 22980763, 31395899). ClinVar contains an entry for this variant (Variation ID: 96679). Based on the evidence outlined above, the variant was classified as pathogenic.

Blueprint Genetics
Classification: Likely pathogenic for ANO5-related disorders. Last evaluated: 2024-04-19. Review status: criteria provided, single submitter. Criteria: ACMG Guidelines, 2015. Collection method: clinical testing. Allele origin: germline. Affected: yes. Observed: 5 variant alleles. Not counted in ClinVar's aggregate classification.

CeGaT Center for Human Genetics Tuebingen
Classification: Pathogenic. Last evaluated: 2020-08-01. Review status: criteria provided, single submitter. Criteria: CeGaT Center For Human Genetics Tuebingen Variant Classification Criteria Version 2. Collection method: clinical testing. Allele origin: germline. Affected: yes. Observed: 1 variant allele. Not counted in ClinVar's aggregate classification.

Eurofins Ntd Llc (ga)
Classification: Likely pathogenic. Last evaluated: 2017-04-12. Review status: criteria provided, single submitter. Criteria: EGL Classification Definitions. Collection method: clinical testing. Allele origin: germline. Observed: 9 variant alleles, 9 heterozygotes. Not counted in ClinVar's aggregate classification.

Literature cited by the submitters: PubMed 22402862 (cited by Labcorp Genetics (formerly Invitae), Labcorp and Women's Health and Genetics/Laboratory Corporation of America, LabCorp); PubMed 22980763 (cited by Labcorp Genetics (formerly Invitae), Labcorp and Women's Health and Genetics/Laboratory Corporation of America, LabCorp); PubMed 31395899 (cited by Labcorp Genetics (formerly Invitae), Labcorp and Women's Health and Genetics/Laboratory Corporation of America, LabCorp).

NM_213599.3(ANO5):c.242A>G (p.Asp81Gly)

Gene: ANO5 (anoctamin 5; plus strand). Cytogenetic location: 11p14.3.
Variant type: single nucleotide variant.
Coding change: c.242A>G on transcript NM_213599.3 (MANE Select); coding-DNA position 242, A replaced by G.
Protein change: p.Asp81Gly; replaces aspartic acid 81 with glycine.
Molecular consequence: missense variant.
Genome position (GRCh38, 1-based): chr11:22,221,158, A>G. VCF-style: chr11-22221158-A-G. GRCh37 (hg19) VCF-style: chr11-22242704-A-G.
Other names: NM_213599.3(ANO5):c.242A>G; c.239A>G, p.Asp80Gly (NM_001142649.2); short protein forms D80G.
Identifiers: ClinVar variation 96679 (VCV000096679.55), dbSNP rs199501657, ClinGen allele CA224411.
Genomic context (GRCh38, chr11:22,221,158, plus strand): 5'-TTCAAAAAAATCAGCAAAGCAAAGATTCTATCTTCTTCCGAGATGGGATTAGGCAAATTG[A>G]TTTTGTGCTTTCCTACGTTGATGATGTAAAGAAAGACGCAGAGTTAAAGGCGGTAAGTGC-3'
Protein context (NP_998764.1, residues 71-91): IFFRDGIRQI[Asp81Gly]FVLSYVDDVK